The following is an entry in ClinVar:

NM_004320.6(ATP2A1):c.1814AGG[1] (p.Glu606del)

Gene: ATP2A1 (ATPase sarcoplasmic/endoplasmic reticulum Ca2+ transporting 1; plus strand). Cytogenetic location: 16p11.2.
Variant type: Microsatellite.
Coding change: c.1814AGG[1] on transcript NM_004320.6 (MANE Select); one copy of the 3-base unit AGG starting at c.1814; the reference has two copies in a row; one copy, 3 bases deleted.
Protein change: p.Glu606del; deletes glutamic acid 606.
Molecular consequence: inframe deletion.
Genome position (GRCh38, 1-based): chr16:28,900,633-28,900,635, AGG deleted; deleting any 3 consecutive bases within chr16:28,900,630-28,900,635 gives the same sequence; the position shown is the placement nearest the transcript's 3' end. VCF-style (leftmost placement, unchanged base first): chr16-28900629-AAGG-A. GRCh37 (hg19) VCF-style: chr16-28911950-AAGG-A.
Other names: c.1439AGG[1], p.Glu481del (NM_001286075.2); c.1814AGG[1], p.Glu606del (NM_173201.5); short protein forms E606del, E481del.
Identifiers: ClinVar variation 1448293 (VCV001448293.8), dbSNP rs1215898115, ClinGen allele CA719740017.

ClinVar aggregate classification (germline): Uncertain significance (1 of 4 stars; one submission).

Conditions:
Brody myopathy. Also called: BRODY DISEASE. Identifiers: Orphanet 53347, MedGen C1832918, MONDO:0010977, OMIM 601003.

Submission:

Labcorp Genetics (formerly Invitae), Labcorp
Classification: Uncertain significance for Brody myopathy. Last evaluated: 2024-10-18. Review status: criteria provided, single submitter. Criteria: Invitae Variant Classification Sherloc (09022015). Collection method: clinical testing. Allele origin: germline.
Comment: This variant, c.1817_1819del, results in the deletion of 1 amino acid(s) of the ATP2A1 protein (p.Glu606del), but otherwise preserves the integrity of the reading frame. This variant is not present in population databases (gnomAD no frequency). This variant has been observed in individual(s) with Brody disease (PMID: 20142766). Experimental studies and prediction algorithms are not available or were not evaluated, and the functional significance of this variant is currently unknown. In summary, the available evidence is currently insufficient to determine the role of this variant in disease. Therefore, it has been classified as a Variant of Uncertain Significance.

Literature cited by the submitters: PubMed 20142766.